The following is an entry in ClinVar:

NM_004260.4(RECQL4):c.977G>C (p.Ser326Thr)

Gene: RECQL4 (RecQ like helicase 4; minus strand). Cytogenetic location: 8q24.3.
Variant type: single nucleotide variant.
Coding change: c.977G>C on transcript NM_004260.4 (MANE Select); coding-DNA position 977, G replaced by C.
Protein change: p.Ser326Thr; replaces serine 326 with threonine.
Molecular consequence: missense variant. On other transcripts: 5 prime UTR variant (16), non-coding transcript variant (3), intron variant (3).
Genome position (GRCh38, 1-based): chr8:144,516,142, C>G on the plus strand (G>C on the coding strand, the complement: RECQL4 is on the minus strand). VCF-style: chr8-144516142-C-G. GRCh37 (hg19) VCF-style: chr8-145741526-C-G.
Other names: c.977G>C, p.Ser326Thr (NM_001413018.1, NM_001413019.1, NM_001413033.1 and 2 more transcripts); c.-95G>C (NM_001413021.1, NM_001413022.1, NM_001413023.1 and 7 more transcripts); c.848G>C, p.Ser283Thr (NM_001413025.1); c.-157G>C (NM_001413027.1, NM_001413030.1, NM_001413031.1 and 2 more transcripts); c.626G>C, p.Ser209Thr (NM_001413029.1); c.-364G>C (NM_001413043.1); c.953+24G>C (NM_001413017.1, NM_001413020.1); c.-23+24G>C (NM_001413034.1); short protein forms S283T, S326T, S209T.
Identifiers: ClinVar variation 3666570 (VCV003666570.2).

ClinVar aggregate classification (germline): Uncertain significance (1 of 4 stars; one submission).

Conditions:
Baller-Gerold syndrome (BGS). Also called: CRANIOSYNOSTOSIS WITH RADIAL DEFECTS. Identifiers: Orphanet 1225, MedGen C0265308, MONDO:0009039, OMIM 218600.

Submission:

Labcorp Genetics (formerly Invitae), Labcorp
Classification: Uncertain significance for Baller-Gerold syndrome. Last evaluated: 2025-04-27. Review status: criteria provided, single submitter. Criteria: Invitae Variant Classification Sherloc (09022015). Collection method: clinical testing. Allele origin: germline.
Comment: This sequence change replaces serine, which is neutral and polar, with threonine, which is neutral and polar, at codon 326 of the RECQL4 protein (p.Ser326Thr). This variant is not present in population databases (gnomAD no frequency). This variant has not been reported in the literature in individuals affected with RECQL4-related conditions. ClinVar contains an entry for this variant (Variation ID: 3666570). Invitae Evidence Modeling of protein sequence and biophysical properties (such as structural, functional, and spatial information, amino acid conservation, physicochemical variation, residue mobility, and thermodynamic stability) indicates that this missense variant is not expected to disrupt RECQL4 protein function with a negative predictive value of 80%. In summary, the available evidence is currently insufficient to determine the role of this variant in disease. Therefore, it has been classified as a Variant of Uncertain Significance.